The following is an entry in ClinVar:

ClinVar aggregate classification (germline): Uncertain significance (1 of 4 stars; one submission).

Conditions:
Early-infantile DEE. Also called: Early infantile epileptic encephalopathy; Ohtahara syndrome; Early infantile epileptic encephalopathy with suppression bursts. Identifiers: Orphanet 1934, MedGen C0393706, MONDO:0800491.

Submission:

Labcorp Genetics (formerly Invitae), Labcorp
Classification: Uncertain significance for Early-infantile DEE. Last evaluated: 2018-11-01. Review status: criteria provided, single submitter. Criteria: Invitae Variant Classification Sherloc (09022015). Collection method: clinical testing. Allele origin: germline.
Comment: This variant has not been reported in the literature in individuals with SCN8A-related disease. Algorithms developed to predict the effect of missense changes on protein structure and function are either unavailable or do not agree on the potential impact of this missense change (SIFT: "Deleterious"; PolyPhen-2: "Possibly Damaging"; Align-GVGD: "Class C0"). In summary, the available evidence is currently insufficient to determine the role of this variant in disease. Therefore, it has been classified as a Variant of Uncertain Significance. This sequence change replaces tyrosine with cysteine at codon 1355 of the SCN8A protein (p.Tyr1355Cys). The tyrosine residue is highly conserved and there is a large physicochemical difference between tyrosine and cysteine. This variant is not present in population databases (ExAC no frequency).

NM_001330260.2(SCN8A):c.4064A>G (p.Tyr1355Cys)

Gene: SCN8A (sodium voltage-gated channel alpha subunit 8; plus strand). Cytogenetic location: 12q13.13.
Variant type: single nucleotide variant.
Coding change: c.4064A>G on transcript NM_001330260.2 (MANE Select); coding-DNA position 4064, A replaced by G.
Protein change: p.Tyr1355Cys; replaces tyrosine 1355 with cysteine.
Molecular consequence: missense variant.
Genome position (GRCh38, 1-based): chr12:51,786,663, A>G. VCF-style: chr12-51786663-A-G. GRCh37 (hg19) VCF-style: chr12-52180447-A-G.
Other names: c.3941A>G, p.Tyr1314Cys (NM_001177984.3, NM_001369788.1); c.4064A>G, p.Tyr1355Cys (NM_014191.4); short protein forms Y1355C, Y1314C.
Identifiers: ClinVar variation 660394 (VCV000660394.9), dbSNP rs1592162522, ClinGen allele CA384905308.